The following is an entry in ClinVar:

ClinVar aggregate classification (germline): Benign/Likely benign. Review status: criteria provided, multiple submitters, no conflicts (2 of 4 stars). 8 submissions from 8 submitters: Benign (6); Likely benign (1). 1 of the submissions does not count toward it. Last evaluated 2026-06-29.

Conditions:
ABCA4-related disorder. Also called: ABCA4-related condition; ABCA4-related disorders. Identifiers: MedGen CN239167.

Allele frequency attached by ClinVar (database versions not stated): 1000 Genomes Project 30x 0.00625.

Submissions (8):

Women's Health and Genetics/Laboratory Corporation of America, LabCorp
Classification: Benign. Last evaluated: 2026-06-29. Review status: criteria provided, single submitter. Criteria: LabCorp Variant Classification Summary - May 2015. Collection method: clinical testing. Allele origin: germline.
Comment: Variant summary: ABCA4 c.1356+5_1356+6insC alters a nucleotide located close to a canonical splice site and therefore could affect mRNA splicing, leading to a significantly altered protein sequence. Consensus agreement among computation tools predict no significant impact on normal splicing. However, these predictions have yet to be confirmed by functional studies. The variant allele was found at a frequency of 0.001 in 251250 control chromosomes, predominantly at a frequency of 0.013 within the African or African-American subpopulation in the gnomAD database, including 3 homozygotes. The observed variant frequency within African or African-American control individuals in the gnomAD database exceeds the estimated maximal expected allele frequency for disease-causing variants in ABCA4. To our knowledge, no occurrence of c.1356+5_1356+6insC in individuals affected with ABCA4-related conditions and no experimental evidence demonstrating its impact on protein function have been reported. ClinVar contains an entry for this variant (Variation ID: 99048). Based on the evidence outlined above, the variant was classified as benign.

PreventionGenetics, part of Exact Sciences
Classification: Benign for ABCA4-related condition. Last evaluated: 2026-02-10. Review status: criteria provided, single submitter. Criteria: ACMG Guidelines, 2015. Collection method: clinical testing. Allele origin: germline.
Comment: This variant is classified as benign based on ACMG/AMP sequence variant interpretation guidelines (Richards et al. 2015 PMID: 25741868, with internal and published modifications).

Labcorp Genetics (formerly Invitae), Labcorp
Classification: Benign. Last evaluated: 2026-01-28. Review status: criteria provided, single submitter. Criteria: Invitae Variant Classification Sherloc (09022015). Collection method: clinical testing. Allele origin: germline.

Blueprint Genetics
Classification: Likely benign. Last evaluated: 2024-09-12. Review status: criteria provided, single submitter. Criteria: ACMG Guidelines, 2015. Collection method: clinical testing. Allele origin: germline.

CeGaT Center for Human Genetics Tuebingen
Classification: Benign. Last evaluated: 2023-06-01. Review status: criteria provided, single submitter. Criteria: CeGaT Center For Human Genetics Tuebingen Variant Classification Criteria Version 2. Collection method: clinical testing. Allele origin: germline. Affected: yes. Observed: 1 variant allele.
Comment: ABCA4: BP4, BS1, BS2

Eurofins Ntd Llc (ga)
Classification: Benign. Last evaluated: 2015-05-12. Review status: criteria provided, single submitter. Criteria: EGL Classification Definitions 2015. Collection method: clinical testing. Allele origin: germline. Observed: 1 variant allele, 1 heterozygote.

GeneDx
Classification: Benign. Last evaluated: 2015-03-03. Review status: criteria provided, single submitter. Criteria: GeneDx Variant Classification Process June 2021. Collection method: clinical testing. Allele origin: germline. Affected: yes.

Retina International
No classification provided. Review status: no classification provided. Collection method: not provided. Allele origin: not provided. Not counted in ClinVar's aggregate classification.

NM_000350.3(ABCA4):c.1356+5_1356+6insC

Gene: ABCA4 (ATP binding cassette subfamily A member 4; minus strand). Cytogenetic location: 1p22.1.
Variant type: Insertion.
Coding change: c.1356+5_1356+6insC on transcript NM_000350.3 (MANE Select); bases 5 to 6 of the intron after coding-DNA position 1356, C inserted.
Molecular consequence: intron variant.
Genome position: GRCh38 VCF-style: chr1-94078584-C-CG. GRCh37 (hg19) VCF-style: chr1-94544140-C-CG.
Identifiers: ClinVar variation 99048 (VCV000099048.49), dbSNP rs1553193877, ClinGen allele CA200669.